The following is an entry in ClinVar:

NM_000179.3(MSH6):c.1010dup (p.Leu337fs)

Gene: MSH6 (mutS homolog 6; plus strand). Cytogenetic location: 2p16.3.
Variant type: Duplication.
Coding change: c.1010dup on transcript NM_000179.3 (MANE Select); coding-DNA position 1010, one base duplicated (T; older notation c.1010dupT).
Protein change: p.Leu337fs; shifts the reading frame from leucine 337.
Molecular consequence: frameshift variant. On other transcripts: non-coding transcript variant (4), intron variant (1).
Genome position (GRCh38, 1-based): chr2:47,798,993, T duplicated; the last of 3 consecutive T bases (chr2:47,798,991-47,798,993); duplicating any one gives the same sequence. VCF-style (leftmost placement, unchanged base first): chr2-47798990-C-CT. GRCh37 (hg19) VCF-style: chr2-48026129-C-CT.
Other names: c.620dup, p.Leu207fs (NM_001281492.2); c.104dup, p.Leu35fs (NM_001281493.2, NM_001281494.2, NM_001406811.1 and 6 more transcripts); c.1106dup, p.Leu369fs (NM_001406795.1, NM_001406802.1); c.1010dup, p.Leu337fs (NM_001406796.1, NM_001406798.1, NM_001406800.1 and 4 more transcripts); c.713dup, p.Leu238fs (NM_001406797.1, NM_001406801.1, NM_001406805.1 and 10 more transcripts); c.485dup, p.Leu162fs (NM_001406799.1, NM_001406806.1, NM_001406807.1); c.932dup, p.Leu311fs (NM_001406804.1); c.1016dup, p.Leu339fs (NM_001406813.1); and 2 more; short protein forms L162fs, L207fs, L238fs, L281fs, L311fs, L337fs, L339fs, L35fs.
Identifiers: ClinVar variation 2673724 (VCV002673724.2), dbSNP rs2530583601, ClinGen allele CA2695200537.
Genomic context (GRCh38, chr2:47,798,990, plus strand): 5'-GGAAGGAAACGCCCTCAGCCACCAAACAAGCAACTAGCATTTCATCAGAAACCAAGAATA[C>CT]TTTGAGAGCTTTCTCTGCCCCTCAAAATTCTGAATCCCAAGCCCACGTTAGTGGAGGTGG-3'

ClinVar aggregate classification (germline): Pathogenic/Likely pathogenic. Review status: criteria provided, multiple submitters, no conflicts (2 of 4 stars). 2 submissions from 2 submitters: Pathogenic (1); Likely pathogenic (1). Last evaluated 2023-08-11.

Conditions:
Endometrial carcinoma. Also called: Endometrial carcinoma, somatic. Identifiers: MedGen C0476089, MONDO:0002447, OMIM 608089, HP:0012114.
Lynch syndrome 5 (LYNCH5). Also called: Colorectal cancer, hereditary nonpolyposis, type 5; Hereditary non-polyposis colorectal cancer, type 5. Identifiers: Orphanet 144, MedGen C1833477, MONDO:0013710, OMIM 614350. Disease mechanism: loss of function.

Submissions (2):

Myriad Genetics, Inc.
Classification: Pathogenic for Lynch syndrome 5. Last evaluated: 2023-08-11. Review status: criteria provided, single submitter. Criteria: Myriad Autosomal Dominant, Autosomal Recessive and X-Linked Classification Criteria (2023). Collection method: clinical testing. Allele origin: unknown.
Comment: This variant is considered pathogenic. This variant creates a frameshift predicted to result in premature protein truncation.

Baylor Genetics
Classification: Likely pathogenic for Endometrial carcinoma. Last evaluated: 2022-05-05. Review status: criteria provided, single submitter. Criteria: ACMG Guidelines, 2015. Collection method: clinical testing. Allele origin: unknown.